The following is an entry in ClinVar:

ClinVar aggregate classification (germline): Pathogenic (1 of 4 stars; one submission).

Submission:

GeneDx
Classification: Pathogenic. Last evaluated: 2025-03-31. Review status: criteria provided, single submitter. Criteria: GeneDx Variant Classification Process June 2021. Collection method: clinical testing. Allele origin: germline. Affected: yes.
Comment: Reported in one individual in a large cohort of patients with neurodevelopmental disorders, however further clinical information was not provided (PMID: 33004838); Not observed at significant frequency in large population cohorts (gnomAD); Nonsense variant predicted to result in protein truncation or nonsense mediated decay in a gene for which loss of function is a known mechanism of disease; This variant is associated with the following publications: (PMID: 33004838)

NM_001145358.2(SIN3A):c.1541T>A (p.Leu514Ter)

Gene: SIN3A (SIN3 transcription regulator family member A; minus strand). Cytogenetic location: 15q24.2.
Variant type: single nucleotide variant.
Coding change: c.1541T>A on transcript NM_001145358.2 (MANE Select); coding-DNA position 1541, T replaced by A.
Protein change: p.Leu514Ter; replaces leucine 514 with a stop codon.
Molecular consequence: nonsense.
Genome position (GRCh38, 1-based): chr15:75,400,926, A>T on the plus strand (T>A on the coding strand, the complement: SIN3A is on the minus strand). VCF-style: chr15-75400926-A-T. GRCh37 (hg19) VCF-style: chr15-75693267-A-T.
Other names: c.1541T>A, p.Leu514Ter (NM_001145357.2, NM_001437462.1, NM_001437463.1 and 1 more transcripts); short protein forms L514*.
Identifiers: ClinVar variation 4278598 (VCV004278598.1).
Genomic context (GRCh38, chr15:75,400,926, plus strand): 5'-GGATAAGTTTCCAGATGTACAGACTCCTTATAGCCCAGAAAGTTTTTAAACCAATTAAAC[A>T]ACTCAGGGAATTTCCTGAAGAATCAAACCAAAAAGTGACAAGCAATTAGGGGCAGGATGC-3'